The following is an entry in ClinVar:

ClinVar aggregate classification (germline): Conflicting classifications of pathogenicity. Review status: criteria provided, conflicting classifications (1 of 4 stars). 2 submissions from 2 submitters: Likely pathogenic (1); Uncertain significance (1). Last evaluated 2025-06-08.

Submissions (2):

GeneDx
Classification: Uncertain significance. Last evaluated: 2025-06-08. Review status: criteria provided, single submitter. Criteria: GeneDx Variant Classification Process June 2021. Collection method: clinical testing. Allele origin: germline. Affected: yes.
Comment: Not observed at significant frequency in large population cohorts (gnomAD); In silico analysis supports that this missense variant has a deleterious effect on protein structure/function; Has not been previously published as pathogenic or benign to our knowledge

CeGaT Center for Human Genetics Tuebingen
Classification: Likely pathogenic. Last evaluated: 2022-11-01. Review status: criteria provided, single submitter. Criteria: CeGaT Center For Human Genetics Tuebingen Variant Classification Criteria Version 2. Collection method: clinical testing. Allele origin: germline. Affected: yes. Observed: 2 variant alleles.

NM_005585.5(SMAD6):c.40T>A (p.Trp14Arg)

Gene: SMAD6 (SMAD family member 6; plus strand). Cytogenetic location: 15q22.31.
Variant type: single nucleotide variant.
Coding change: c.40T>A on transcript NM_005585.5 (MANE Select); coding-DNA position 40, T replaced by A.
Protein change: p.Trp14Arg; replaces tryptophan 14 with arginine.
Molecular consequence: missense variant. On other transcripts: non-coding transcript variant (1).
Genome position (GRCh38, 1-based): chr15:66,703,298, T>A. VCF-style: chr15-66703298-T-A. GRCh37 (hg19) VCF-style: chr15-66995636-T-A.
Other names: c.40T>A (NM_005585.4); short protein forms W14R.
Identifiers: ClinVar variation 1879296 (VCV001879296.29), dbSNP rs1353173742, ClinGen allele CA392948340.